The following is an entry in ClinVar:

ClinVar aggregate classification (germline): Conflicting classifications of pathogenicity. Review status: criteria provided, conflicting classifications (1 of 4 stars). 8 submissions from 8 submitters: Uncertain significance (1); Benign (1); Likely benign (6). Last evaluated 2025-12-31.

Conditions:
Ehlers-Danlos syndrome (EDS). Identifiers: Orphanet 98249, MedGen C0013720, MONDO:0020066.
Loeys-Dietz syndrome 4 (LDS4). Also called: TGFB2-Related Loeys-Dietz Syndrome; ANEURYSM, AORTIC AND CEREBRAL, WITH ARTERIAL TORTUOSITY AND SKELETAL MANIFESTATIONS. Identifiers: MedGen C3553762, MONDO:0013897, OMIM 614816.
Familial thoracic aortic aneurysm and aortic dissection (TAAD). Also called: Thoracic aortic aneurysms and dissections. Identifiers: Orphanet 91387, MedGen C4707243, MONDO:0019625.

Allele frequency attached by ClinVar (database versions not stated): gnomAD 0.00016 and 0.00072; gnomAD exomes 0.00016 and 0.00021; ExAC 0.00030; ESP Exome Variant Server 0.00046; TOPMed 0.00099.
gnomAD v4.1: 406 of 1,609,824 alleles (0.025%); highest among the groups gnomAD compares: Non-Finnish European, 0.026%; 3 homozygotes.

Submissions (8):

Labcorp Genetics (formerly Invitae), Labcorp
Classification: Likely benign for Loeys-Dietz syndrome 4. Last evaluated: 2025-12-31. Review status: criteria provided, single submitter. Criteria: Invitae Variant Classification Sherloc (09022015). Collection method: clinical testing. Allele origin: germline.

CeGaT Center for Human Genetics Tuebingen
Classification: Likely benign. Last evaluated: 2025-10-01. Review status: criteria provided, single submitter. Criteria: CeGaT Center For Human Genetics Tuebingen Variant Classification Criteria Version 2. Collection method: clinical testing. Allele origin: germline. Affected: yes. Observed: 3 variant alleles.
Comment: TGFB2: BP4

Blueprint Genetics
Classification: Likely benign. Last evaluated: 2024-10-17. Review status: criteria provided, single submitter. Criteria: ACMG Guidelines, 2015. Collection method: clinical testing. Allele origin: germline.

Women's Health and Genetics/Laboratory Corporation of America, LabCorp
Classification: Likely benign. Last evaluated: 2022-06-16. Review status: criteria provided, single submitter. Criteria: LabCorp Variant Classification Summary - May 2015. Collection method: clinical testing. Allele origin: germline.

Genome Diagnostics Laboratory, The Hospital for Sick Children
Classification: Likely benign for Ehlers-Danlos syndrome. Last evaluated: 2020-09-17. Review status: criteria provided, single submitter. Criteria: ACMG Guidelines, 2015. Collection method: clinical testing. Allele origin: germline.

Illumina Laboratory Services, Illumina
Classification: Uncertain significance for Loeys-Dietz syndrome 4. Last evaluated: 2018-01-15. Review status: criteria provided, single submitter. Criteria: ICSL Variant Classification Criteria 13 December 2019. Collection method: clinical testing. Allele origin: germline.

GeneDx
Classification: Benign. Last evaluated: 2016-06-30. Review status: criteria provided, single submitter. Criteria: GeneDx Variant Classification (06012015). Collection method: clinical testing. Allele origin: germline. Affected: yes.
Comment: This variant is considered likely benign or benign based on one or more of the following criteria: it is a conservative change, it occurs at a poorly conserved position in the protein, it is predicted to be benign by multiple in silico algorithms, and/or has population frequency not consistent with disease.

Ambry Genetics
Classification: Likely benign for Familial thoracic aortic aneurysm and aortic dissection. Last evaluated: 2016-03-16. Review status: criteria provided, single submitter. Criteria: Ambry Variant Classification Scheme 2023. Collection method: clinical testing. Allele origin: germline.

NM_003238.6(TGFB2):c.303G>A (p.Lys101=)

Gene: TGFB2 (transforming growth factor beta 2; plus strand). Cytogenetic location: 1q41.
Variant type: single nucleotide variant.
Coding change: c.303G>A on transcript NM_003238.6 (MANE Select); coding-DNA position 303, G replaced by A.
Protein change: p.Lys101=; no amino-acid change (lysine 101 retained).
Molecular consequence: synonymous variant. On other transcripts: non-coding transcript variant (2).
Genome position (GRCh38, 1-based): chr1:218,347,004, G>A. VCF-style: chr1-218347004-G-A. GRCh37 (hg19) VCF-style: chr1-218520346-G-A.
Other names: c.303G>A, p.Lys101= (NM_001135599.4).
Identifiers: ClinVar variation 380608 (VCV000380608.61), dbSNP rs147052890, ClinGen allele CA1398401.